The following is an entry in ClinVar:

NM_000481.4(AMT):c.217C>T (p.Arg73Cys)

Gene: AMT (aminomethyltransferase; minus strand). Cytogenetic location: 3p21.31.
Variant type: single nucleotide variant.
Coding change: c.217C>T on transcript NM_000481.4 (MANE Select); coding-DNA position 217, C replaced by T.
Protein change: p.Arg73Cys; replaces arginine 73 with cysteine.
Molecular consequence: missense variant. On other transcripts: non-coding transcript variant (1), intron variant (1).
Genome position (GRCh38, 1-based): chr3:49,422,145, G>A on the plus strand (C>T on the coding strand, the complement: AMT is on the minus strand). VCF-style: chr3-49422145-G-A. GRCh37 (hg19) VCF-style: chr3-49459578-G-A.
Other names: c.217C>T, p.Arg73Cys (NM_001164710.2, NM_001164712.2); c.90+216C>T (NM_001164711.2); short protein forms R73C.
Identifiers: ClinVar variation 56228 (VCV000056228.70), dbSNP rs386833679, ClinGen allele CA263566.

ClinVar aggregate classification (germline): Conflicting classifications of pathogenicity. Review status: criteria provided, conflicting classifications (1 of 4 stars). 16 submissions from 16 submitters: Pathogenic (7); Likely pathogenic (6); Uncertain significance (1). 2 of the submissions do not count toward it. Last evaluated 2026-01-12.

Conditions:
Glycine encephalopathy 2 (GCE2). Identifiers: MedGen C5830559, MONDO:0958192, OMIM 620398.
Glycine encephalopathy 1 (GCE1). Identifiers: MedGen CN376801, MONDO:0958179, OMIM 605899.
AMT-related disorder. Also called: AMT-related condition.
Glycine encephalopathy. Also called: Nonketotic hyperglycinemia; Non-ketotic hyperglycinemia. Identifiers: Orphanet 407, MedGen C0751748, MONDO:0011612, HP:0008288.

Allele frequency attached by ClinVar (database versions not stated): gnomAD exomes 0.00003 and 0.00004; ExAC 0.00004; TOPMed 0.00005; gnomAD 0.00003.

Submissions (16):

Labcorp Genetics (formerly Invitae), Labcorp
Classification: Pathogenic for Glycine encephalopathy. Last evaluated: 2026-01-12. Review status: criteria provided, single submitter. Criteria: Invitae Variant Classification Sherloc (09022015). Collection method: clinical testing. Allele origin: germline.
Comment: This sequence change replaces arginine, which is basic and polar, with cysteine, which is neutral and slightly polar, at codon 73 of the AMT protein (p.Arg73Cys). This variant is present in population databases (rs386833679, gnomAD 0.006%). This missense change has been observed in individual(s) with glycine encephalopathy (PMID: 16450403, 27362913). In at least one individual the data is consistent with being in trans (on the opposite chromosome) from a pathogenic variant. ClinVar contains an entry for this variant (Variation ID: 56228). Invitae Evidence Modeling of protein sequence and biophysical properties (such as structural, functional, and spatial information, amino acid conservation, physicochemical variation, residue mobility, and thermodynamic stability) indicates that this missense variant is expected to disrupt AMT protein function with a positive predictive value of 95%. For these reasons, this variant has been classified as Pathogenic.

GeneDx
Classification: Uncertain significance. Last evaluated: 2025-11-15. Review status: criteria provided, single submitter. Criteria: GeneDx Variant Classification Process June 2021. Collection method: clinical testing. Allele origin: germline.
Comment: Observed multiple times with another AMT variant in unrelated patients in published literature with suspected nonketotic hyperglycemia, but it is not known whether the variants occurred on the same (in cis) or on different (in trans) chromosomes in some cases (PMID: 16450403, 27362913); In silico analysis supports that this missense variant has a deleterious effect on protein structure/function; This variant is associated with the following publications: (PMID: 33726816, 33528079, 27362913, 16450403, 15272469, 38532509, 31319225)

Natera, Inc.
Classification: Pathogenic for Non-ketotic hyperglycinemia. Last evaluated: 2025-09-10. Review status: criteria provided, single submitter. Criteria: Natera Variant Classification Schema (03/2026). Collection method: clinical testing. Allele origin: germline.
Comment: The c.217C>T variant in AMT is a missense variant predicted to cause substitution of arginine to cysteine at amino acid 73. This variant is rare in the general population with a frequency below the threshold expected for the associated phenotype(s). This variant has been observed in one or more individuals affected with the associated recessive disease, as either homozygous or compound heterozygous with a second variant (PMID: 16450403, 31319225, 27362913). Computational prediction algorithms indicate this variant is likely to affect gene or protein function. Given the available evidence, this variant is classified as Pathogenic.

Myriad Genetics, Inc.
Classification: Likely pathogenic for Glycine encephalopathy 2. Last evaluated: 2025-08-27. Review status: criteria provided, single submitter. Criteria: Myriad Autosomal Dominant, Autosomal Recessive and X-Linked Classification Criteria (2023). Collection method: clinical testing. Allele origin: unknown.
Comment: NM_000481.3(AMT):c.217C>T(R73C) is a missense variant classified as likely pathogenic in the context of glycine encephalopathy, AMT-related. R73C has been observed in cases with relevant disease (PMID: 27362913). Relevant functional assessments of this variant are not available in the literature. R73C has been observed in referenced population frequency databases. In summary, NM_000481.3(AMT):c.217C>T(R73C) is a missense variant that has been observed more frequently in cases with the relevant disease than in healthy populations. Please note: this variant was assessed in the context of healthy population screening.

Blueprint Genetics
Classification: Pathogenic for AMT-related disorders. Last evaluated: 2024-08-22. Review status: criteria provided, single submitter. Criteria: ACMG Guidelines, 2015. Collection method: clinical testing. Allele origin: germline. Affected: yes. Observed: 5 variant alleles.

Fulgent Genetics
Classification: Likely pathogenic for Glycine encephalopathy 2. Last evaluated: 2024-02-05. Review status: criteria provided, single submitter. Criteria: ACMG Guidelines, 2015. Collection method: clinical testing. Allele origin: germline.

Laboratory of Medical Genetics, National & Kapodistrian University of Athens
Classification: Pathogenic for Glycine encephalopathy 2. Last evaluated: 2024-02-01. Review status: criteria provided, single submitter. Criteria: ACMG Guidelines, 2015. Collection method: curation. Allele origin: germline. Affected: no.

CeGaT Center for Human Genetics Tuebingen
Classification: Pathogenic. Last evaluated: 2023-09-01. Review status: criteria provided, single submitter. Criteria: CeGaT Center For Human Genetics Tuebingen Variant Classification Criteria Version 2. Collection method: clinical testing. Allele origin: germline. Affected: yes. Observed: 6 variant alleles.
Comment: AMT: PM3:Very Strong, PM2

Department of Pathology and Laboratory Medicine, Sinai Health System
Classification: Likely pathogenic for Glycine encephalopathy 2. Last evaluated: 2023-02-07. Review status: criteria provided, single submitter. Criteria: ACMG Guidelines, 2015. Collection method: research. Allele origin: germline.

Women's Health and Genetics/Laboratory Corporation of America, LabCorp
Classification: Pathogenic for Glycine encephalopathy. Last evaluated: 2021-12-01. Review status: criteria provided, single submitter. Criteria: LabCorp Variant Classification Summary - May 2015. Collection method: clinical testing. Allele origin: germline.
Comment: Variant summary: AMT c.217C>T (p.Arg73Cys) results in a non-conservative amino acid change located in the Aminomethyltransferase, folate-binding domain (IPR006222) of the encoded protein sequence. Five of five in-silico tools predict a damaging effect of the variant on protein function. The variant allele was found at a frequency of 3.6e-05 in 251240 control chromosomes (gnomAD). c.217C>T has been reported in the literature in multiple compound heterozygous and homozygous individuals affected with Glycine Encephalopathy (Non-Ketotic Hyperglycinemia) (example: Kure_2006, Coughlin_2017, Isik_2019, Stranneheim_2021). These data indicate that the variant is very likely to be associated with disease. To our knowledge, no experimental evidence demonstrating an impact on protein function has been reported. Six ClinVar submitters have assessed this variant after 2014: four classified the variant as likely pathogenic and two have classified the variant as pathogenic. Based on the evidence outlined above, the variant was classified as pathogenic.

Centre for Inherited Metabolic Diseases, Karolinska University Hospital
Classification: Pathogenic for Glycine encephalopathy. Last evaluated: 2021-03-12. Review status: criteria provided, single submitter. Criteria: ACMG Guidelines, 2015. Collection method: clinical testing. Allele origin: germline. Inheritance: Autosomal recessive inheritance. Affected: yes. Observed: 1 variant allele, 1 homozygote.

Centre for Mendelian Genomics, University Medical Centre Ljubljana
Classification: Likely pathogenic for Glycine encephalopathy 1. Last evaluated: 2020-04-02. Review status: criteria provided, single submitter. Criteria: ACMG Guidelines, 2015. Collection method: clinical testing. Allele origin: unknown. Affected: yes.
Comment: This variant was classified as: Likely pathogenic. The following ACMG criteria were applied in classifying this variant: PM3_STR,PM2,PP3.

Laboratorio de Genetica e Diagnostico Molecular, Hospital Israelita Albert Einstein
Classification: Likely pathogenic. Last evaluated: 2019-12-26. Review status: criteria provided, single submitter. Criteria: ACMG Guidelines, 2015. Collection method: clinical testing. Allele origin: germline. Affected: yes.
Comment: ACMG classification criteria: PS4, PM2, PM3, PP3

Kariminejad - Najmabadi Pathology & Genetics Center
Classification: Likely pathogenic for Glycine encephalopathy 2. Review status: criteria provided, single submitter. Criteria: ACMG Guidelines, 2015. Collection method: clinical testing. Allele origin: germline. Affected: no.

Counsyl
Classification: Likely pathogenic for Glycine encephalopathy 1. Last evaluated: 2017-03-17. Review status: no assertion criteria provided. Collection method: clinical testing. Allele origin: unknown. Not counted in ClinVar's aggregate classification.

Juha Muilu Group; Institute for Molecular Medicine Finland (FIMM)
Classification: Likely pathogenic for Non-ketotic hyperglycinemia. Review status: no assertion criteria provided. Collection method: not provided. Allele origin: unknown. Not counted in ClinVar's aggregate classification.
Comment: FinDis database variant: This variant was not found or characterized by our laboratory, data were collected from public sources: see reference
ClinVar note: Converted during submission from probable-pathogenic to Likely pathogenic.

Literature cited by the submitters: PubMed 16450403 (cited by 4 submitters); PubMed 27362913 (cited by 5 submitters); PubMed 31319225 (cited by Natera, Inc. and Women's Health and Genetics/Laboratory Corporation of America, LabCorp); PubMed 33726816 (cited by Women's Health and Genetics/Laboratory Corporation of America, LabCorp); PubMed 15272469 (cited by Counsyl).